The following is an entry in ClinVar:

ClinVar aggregate classification (germline): Uncertain significance. Review status: criteria provided, multiple submitters, no conflicts (2 of 4 stars). 2 submissions from 2 submitters: Uncertain significance (2). Last evaluated 2023-01-08.

Conditions:
Inborn genetic diseases. Identifiers: MedGen C0950123, MeSH D030342.
Developmental and epileptic encephalopathy, 2 (DEE2). Also called: INFANTILE SPASM SYNDROME, X-LINKED 2; CDKL5 deficiency disorder. Identifiers: Orphanet 1934, Orphanet 3451, Orphanet 505652, MedGen C4750718, MONDO:0010396, OMIM 300672.
Angelman syndrome-like. Identifiers: MedGen CN128785.

Allele frequency attached by ClinVar (database versions not stated): gnomAD exomes below 0.00001 and 0.00001; ExAC 0.00001.

Submissions (2):

Labcorp Genetics (formerly Invitae), Labcorp
Classification: Uncertain significance for Developmental and epileptic encephalopathy, 2; Angelman syndrome-like. Last evaluated: 2023-01-08. Review status: criteria provided, single submitter. Criteria: Invitae Variant Classification Sherloc (09022015). Collection method: clinical testing. Allele origin: germline.
Comment: In summary, the available evidence is currently insufficient to determine the role of this variant in disease. Therefore, it has been classified as a Variant of Uncertain Significance. Algorithms developed to predict the effect of missense changes on protein structure and function (SIFT, PolyPhen-2, Align-GVGD) all suggest that this variant is likely to be tolerated. ClinVar contains an entry for this variant (Variation ID: 533388). This variant has not been reported in the literature in individuals affected with CDKL5-related conditions. This variant is present in population databases (rs756721244, gnomAD 0.001%). This sequence change replaces asparagine, which is neutral and polar, with aspartic acid, which is acidic and polar, at codon 325 of the CDKL5 protein (p.Asn325Asp).

Ambry Genetics
Classification: Uncertain significance for Inborn genetic diseases. Last evaluated: 2017-06-16. Review status: criteria provided, single submitter. Criteria: Ambry Variant Classification Scheme 2023. Collection method: clinical testing. Allele origin: germline.
Comment: The p.N325D variant (also known as c.973A>G), located in coding exon 10 of the CDKL5 gene, results from an A to G substitution at nucleotide position 973. The asparagine at codon 325 is replaced by aspartic acid, an amino acid with highly similar properties. This amino acid position is not well conserved in available vertebrate species. In addition, this alteration is predicted to be tolerated by in silico analysis. Since supporting evidence is limited at this time, the clinical significance of this alteration remains unclear.

NM_001323289.2(CDKL5):c.973A>G (p.Asn325Asp)

Gene: CDKL5 (cyclin dependent kinase like 5; plus strand). Cytogenetic location: Xp22.13.
Variant type: single nucleotide variant.
Coding change: c.973A>G on transcript NM_001323289.2 (MANE Select); coding-DNA position 973, A replaced by G.
Protein change: p.Asn325Asp; replaces asparagine 325 with aspartic acid.
Molecular consequence: missense variant.
Genome position (GRCh38, 1-based): chrX:18,598,609, A>G. VCF-style: chrX-18598609-A-G. GRCh37 (hg19) VCF-style: chrX-18616729-A-G.
Other names: c.973A>G, p.Asn325Asp (NM_001037343.2, NM_003159.3); short protein forms N325D.
Identifiers: ClinVar variation 533388 (VCV000533388.11), dbSNP rs756721244, ClinGen allele CA10360317.